The following is an entry in ClinVar:

ClinVar aggregate classification (germline): Likely benign (0 of 4 stars; one submission).

Conditions:
AMH-related disorder. Also called: AMH-related condition.

Allele frequency attached by ClinVar (database versions not stated): gnomAD 0.00001; ExAC 0.00022.

Submission:

PreventionGenetics, part of Exact Sciences
Classification: Likely benign for AMH-related condition. Last evaluated: 2019-04-16. Review status: no assertion criteria provided. Collection method: clinical testing. Allele origin: germline.
Comment: This variant is classified as likely benign based on ACMG/AMP sequence variant interpretation guidelines (Richards et al. 2015 PMID: 25741868, with internal and published modifications).

NM_000479.5(AMH):c.849G>A (p.Ser283=)

Gene: AMH (anti-Mullerian hormone; plus strand). Cytogenetic location: 19p13.3.
Variant type: single nucleotide variant.
Coding change: c.849G>A on transcript NM_000479.5 (MANE Select); coding-DNA position 849, G replaced by A.
Protein change: p.Ser283=; no amino-acid change (serine 283 retained).
Molecular consequence: synonymous variant.
Genome position (GRCh38, 1-based): chr19:2,251,123, G>A. VCF-style: chr19-2251123-G-A. GRCh37 (hg19) VCF-style: chr19-2251122-G-A.
Identifiers: ClinVar variation 3035111 (VCV003035111.2), dbSNP rs747809683, ClinGen allele CA9063001.